The following is an entry in ClinVar:

NM_000257.4(MYH7):c.4622A>C (p.Gln1541Pro)

Genes: MHRT (myosin heavy chain associated RNA transcript; plus strand), MYH7 (myosin heavy chain 7; minus strand). Cytogenetic location: 14q11.2.
Variant type: single nucleotide variant.
Coding change: c.4622A>C on transcript NM_000257.4 (MANE Select); coding-DNA position 4622, A replaced by C.
Protein change: p.Gln1541Pro; replaces glutamine 1541 with proline.
Molecular consequence: missense variant.
Genome position (GRCh38, 1-based): chr14:23,416,890, T>G on the plus strand (A>C on the coding strand, the complement: MYH7 is on the minus strand). VCF-style: chr14-23416890-T-G. GRCh37 (hg19) VCF-style: chr14-23886099-T-G.
Other names: c.4622A>C, p.Gln1541Pro (LRG_384t1); short protein forms Q1541P.
Identifiers: ClinVar variation 143210 (VCV000143210.8), dbSNP rs587779389, ClinGen allele CA015162.

ClinVar aggregate classification (germline): Uncertain significance. Review status: criteria provided, multiple submitters, no conflicts (2 of 4 stars). 3 submissions from 3 submitters: Uncertain significance (2). 1 of the submissions does not count toward it. Last evaluated 2022-12-19.

Conditions:
MYH7-related skeletal myopathy. Also called: Myopathy, distal, 1; Laing distal myopathy; Laing early-onset distal myopathy; MYOPATHY, DISTAL, EARLY-ONSET, AUTOSOMAL DOMINANT; MYOPATHY, LATE DISTAL HEREDITARY. Identifiers: Orphanet 59135, MedGen C4552004, MONDO:0008050, OMIM 160500.
Hypertrophic cardiomyopathy. Also called: HYPERTROPHIC MYOCARDIOPATHY. Identifiers: Orphanet 217569, MedGen C0007194, MeSH D002312, MONDO:0005045, HP:0001639.

Submissions (3):

GeneDx
Classification: Uncertain significance. Last evaluated: 2022-12-19. Review status: criteria provided, single submitter. Criteria: GeneDx Variant Classification Process June 2021. Collection method: clinical testing. Allele origin: germline. Affected: yes.
Comment: Reported in the heterozygous state in a family with distal myopathy (Lamont et al., 2014); In silico analysis supports that this missense variant has a deleterious effect on protein structure/function; Not observed at significant frequency in large population cohorts (gnomAD); This variant is associated with the following publications: (PMID: 24664454)

Labcorp Genetics (formerly Invitae), Labcorp
Classification: Uncertain significance for Hypertrophic cardiomyopathy. Last evaluated: 2022-07-03. Review status: criteria provided, single submitter. Criteria: Invitae Variant Classification Sherloc (09022015). Collection method: clinical testing. Allele origin: germline.
Comment: In summary, the available evidence is currently insufficient to determine the role of this variant in disease. Therefore, it has been classified as a Variant of Uncertain Significance. Algorithms developed to predict the effect of missense changes on protein structure and function are either unavailable or do not agree on the potential impact of this missense change (SIFT: "Deleterious"; PolyPhen-2: "Probably Damaging"; Align-GVGD: "Class C0"). ClinVar contains an entry for this variant (Variation ID: 143210). This missense change has been observed in individual(s) with autosomal dominant distal myopathy (PMID: 24664454). This variant is not present in population databases (gnomAD no frequency). This sequence change replaces glutamine, which is neutral and polar, with proline, which is neutral and non-polar, at codon 1541 of the MYH7 protein (p.Gln1541Pro).

Neurogenetics Laboratory, Royal Perth Hospital
Classification: Pathogenic for Myopathy, distal, 1. Last evaluated: 2013-01-01. Review status: no assertion criteria provided. Collection method: clinical testing. Allele origin: germline. Inheritance: Autosomal dominant inheritance. Affected: yes. Observed: 6 variant alleles. Not counted in ClinVar's aggregate classification.

Literature cited by the submitters: PubMed 24664454 (cited by Labcorp Genetics (formerly Invitae), Labcorp and Neurogenetics Laboratory, Royal Perth Hospital).